The following is an entry in ClinVar:

NM_000069.3(CACNA1S):c.3566T>A (p.Ile1189Asn)

Gene: CACNA1S (calcium voltage-gated channel subunit alpha1 S; minus strand). Cytogenetic location: 1q32.1.
Variant type: single nucleotide variant.
Coding change: c.3566T>A on transcript NM_000069.3 (MANE Select); coding-DNA position 3566, T replaced by A.
Protein change: p.Ile1189Asn; replaces isoleucine 1189 with asparagine.
Molecular consequence: missense variant.
Genome position (GRCh38, 1-based): chr1:201,058,451, A>T on the plus strand (T>A on the coding strand, the complement: CACNA1S is on the minus strand). VCF-style: chr1-201058451-A-T. GRCh37 (hg19) VCF-style: chr1-201027579-A-T.
Other names: short protein forms I1189N.
Identifiers: ClinVar variation 3386324 (VCV003386324.1).

ClinVar aggregate classification (germline): Uncertain significance (1 of 4 stars; one submission).

Conditions:
Malignant hyperthermia, susceptibility to, 5 (MHS5). Also called: CACNA1S-Related Malignant Hyperthermia Susceptibility. Identifiers: Orphanet 423, MedGen C1866077, MONDO:0011163, OMIM 601887.

Submission:

All of Us Research Program, National Institutes of Health
Classification: Uncertain significance for Malignant hyperthermia, susceptibility to, 5. Last evaluated: 2024-09-23. Review status: criteria provided, single submitter. Criteria: ACMG Guidelines, 2015. Collection method: clinical testing. Allele origin: germline. Inheritance: Autosomal dominant inheritance. Observed: 1 variant allele, 1 heterozygote.
Comment: This study involves interpretation of variants in research participants for the purpose of population health screening. Participant phenotype was not available at the time of variant classification. Additional details can be found in publication PMID: 35346344, PMCID: PMC8962531